The following is an entry in ClinVar:

ClinVar aggregate classification (germline): Benign. Review status: criteria provided, multiple submitters, no conflicts (2 of 4 stars). 11 submissions from 11 submitters: Benign (8). 3 of the submissions do not count toward it. Last evaluated 2026-02-04.

Conditions:
Donnai-Barrow syndrome. Also called: FACIOOCULOACOUSTICORENAL SYNDROME; DBS/FOAR SYNDROME. Identifiers: Orphanet 2143, MedGen C1857277, MONDO:0009104, OMIM 222448.

Allele frequency attached by ClinVar (database versions not stated): ESP Exome Variant Server 0.23958; TOPMed 0.24123; gnomAD 0.25207 and 0.25227; 1000 Genomes Project 30x 0.26234; gnomAD exomes 0.26725 and 0.26979; ExAC 0.26770; 1000 Genomes Project 0.26797.
gnomAD v4.1: 432,846 of 1,613,604 alleles (27%); highest among the groups gnomAD compares: East Asian, 56%; 61,712 homozygotes.

Submissions (11):

Labcorp Genetics (formerly Invitae), Labcorp
Classification: Benign. Last evaluated: 2026-02-04. Review status: criteria provided, single submitter. Criteria: Invitae Variant Classification Sherloc (09022015). Collection method: clinical testing. Allele origin: germline.

Blueprint Genetics
Classification: Benign. Last evaluated: 2024-11-26. Review status: criteria provided, single submitter. Criteria: ACMG Guidelines, 2015. Collection method: clinical testing. Allele origin: germline.

Mayo Clinic Laboratories, Mayo Clinic
Classification: Benign. Last evaluated: 2022-11-10. Review status: criteria provided, single submitter. Criteria: ACMG Guidelines, 2015. Collection method: clinical testing. Allele origin: germline. Observed: 63 variant alleles.

Genome-Nilou Lab
Classification: Benign for Donnai-Barrow syndrome. Last evaluated: 2021-07-15. Review status: criteria provided, single submitter. Criteria: ACMG Guidelines, 2015. Collection method: clinical testing. Allele origin: germline. Affected: no.

GeneDx
Classification: Benign. Last evaluated: 2020-01-18. Review status: criteria provided, single submitter. Criteria: GeneDx Variant Classification Process June 2021. Collection method: clinical testing. Allele origin: germline. Affected: yes.

Illumina Laboratory Services, Illumina
Classification: Benign for Donnai-Barrow syndrome. Last evaluated: 2018-01-13. Review status: criteria provided, single submitter. Criteria: ICSL Variant Classification Criteria 13 December 2019. Collection method: clinical testing. Allele origin: germline.
Comment: This variant was observed in the ICSL laboratory as part of a predisposition screen in an ostensibly healthy population. It had not been previously curated by ICSL or reported in the Human Gene Mutation Database (HGMD: prior to June 1st, 2018), and was therefore a candidate for classification through an automated scoring system. Utilizing variant allele frequency, disease prevalence and penetrance estimates, and inheritance mode, an automated score was calculated to assess if this variant is too frequent to cause the disease. Based on the score and internal cut-off values, a variant classified as benign is not then subjected to further curation. The score for this variant resulted in a classification of benign for this disease.

Breakthrough Genomics
Classification: Benign. Review status: criteria provided, single submitter. Criteria: ACMG Guidelines, 2015. Collection method: not provided. Allele origin: germline. Inheritance: Autosomal recessive inheritance. Affected: yes.

PreventionGenetics, part of Exact Sciences
Classification: Benign. Review status: criteria provided, single submitter. Criteria: ACMG Guidelines, 2015. Collection method: clinical testing. Allele origin: germline.

Diagnostic Laboratory, Department of Genetics, University Medical Center Groningen
Classification: Benign. Review status: no assertion criteria provided. Collection method: clinical testing. Allele origin: germline. Affected: yes. Study: VKGL Data-share Consensus. Not counted in ClinVar's aggregate classification.

Genetic Services Laboratory, University of Chicago
Classification: Likely benign for AllHighlyPenetrant. Review status: no assertion criteria provided. Collection method: clinical testing. Allele origin: germline. Inheritance: Autosomal recessive inheritance. Not counted in ClinVar's aggregate classification.
Comment: Likely benign based on allele frequency in 1000 Genomes Project or ESP global frequency and its presence in a patient with a rare or unrelated disease phenotype. NOT Sanger confirmed.

Joint Genome Diagnostic Labs from Nijmegen and Maastricht, Radboudumc and MUMC+
Classification: Benign. Review status: no assertion criteria provided. Collection method: clinical testing. Allele origin: germline. Affected: yes. Study: VKGL Data-share Consensus. Not counted in ClinVar's aggregate classification.

NM_004525.3(LRP2):c.8614G>A (p.Ala2872Thr)

Gene: LRP2 (LDL receptor related protein 2; minus strand). Cytogenetic location: 2q31.1.
Variant type: single nucleotide variant.
Coding change: c.8614G>A on transcript NM_004525.3 (MANE Select); coding-DNA position 8614, G replaced by A.
Protein change: p.Ala2872Thr; replaces alanine 2872 with threonine.
Molecular consequence: missense variant.
Genome position (GRCh38, 1-based): chr2:169,196,995, C>T on the plus strand (G>A on the coding strand, the complement: LRP2 is on the minus strand). VCF-style: chr2-169196995-C-T. GRCh37 (hg19) VCF-style: chr2-170053505-C-T.
Other names: short protein forms A2872T.
Identifiers: ClinVar variation 129542 (VCV000129542.28), dbSNP rs2228171, ClinGen allele CA153615.